The following is an entry in ClinVar:

NM_001386298.1(CIC):c.3945G>T (p.Glu1315Asp)

Gene: CIC (capicua transcriptional repressor; plus strand). Cytogenetic location: 19q13.2.
Variant type: single nucleotide variant.
Coding change: c.3945G>T on transcript NM_001386298.1 (MANE Select); coding-DNA position 3945, G replaced by T.
Protein change: p.Glu1315Asp; replaces glutamic acid 1315 with aspartic acid.
Molecular consequence: missense variant.
Genome position (GRCh38, 1-based): chr19:42,289,264, G>T. VCF-style: chr19-42289264-G-T. GRCh37 (hg19) VCF-style: chr19-42793416-G-T.
Other names: c.3945G>T, p.Glu1315Asp (NM_001304815.2, NM_001379480.1, NM_001379482.1 and 1 more transcripts); c.1218G>T, p.Glu406Asp (NM_001379484.1, NM_001379485.1, NM_015125.5); short protein forms E1315D, E406D.
Identifiers: ClinVar variation 2571867 (VCV002571867.1), dbSNP rs2513888215, ClinGen allele CA406102727.

ClinVar aggregate classification (germline): Uncertain significance (1 of 4 stars; one submission).

Allele frequency attached by ClinVar (database versions not stated): gnomAD exomes below 0.00001.
gnomAD v4.1: 2 of 1,613,810 alleles (0.00012%); highest among the groups gnomAD compares: Non-Finnish European, 0.000085%; no homozygotes.

Submission:

GeneDx
Classification: Uncertain significance. Last evaluated: 2023-01-05. Review status: criteria provided, single submitter. Criteria: GeneDx Variant Classification Process June 2021. Collection method: clinical testing. Allele origin: germline. Affected: yes.
Comment: Not observed at significant frequency in large population cohorts (gnomAD); In silico analysis supports that this missense variant does not alter protein structure/function; Has not been previously published as pathogenic or benign to our knowledge